The following is an entry in ClinVar:

NM_016507.4(CDK12):c.130C>G (p.Arg44Gly)

Genes: CDK12 (cyclin dependent kinase 12; plus strand), LOC126862553 (CDK7 strongly-dependent group 2 enhancer GRCh37_chr17:37618166-37619365; plus strand). Cytogenetic location: 17q12.
Variant type: single nucleotide variant.
Coding change: c.130C>G on transcript NM_016507.4 (MANE Select); coding-DNA position 130, C replaced by G.
Protein change: p.Arg44Gly; replaces arginine 44 with glycine.
Molecular consequence: missense variant.
Genome position (GRCh38, 1-based): chr17:39,462,201, C>G. VCF-style: chr17-39462201-C-G. GRCh37 (hg19) VCF-style: chr17-37618454-C-G.
Other names: c.130C>G, p.Arg44Gly (NM_015083.4); short protein forms R44G.
Identifiers: ClinVar variation 4844511 (VCV004844511.1).

ClinVar aggregate classification (germline): Uncertain significance (1 of 4 stars; one submission).

Submission:

Ambry Genetics
Classification: Uncertain significance. Last evaluated: 2026-02-21. Review status: criteria provided, single submitter. Criteria: Ambry Variant Classification Scheme 2023. Collection method: clinical testing. Allele origin: germline.
Comment: The p.R44G variant (also known as c.130C>G), located in coding exon 1 of the CDK12 gene, results from a C to G substitution at nucleotide position 130. The arginine at codon 44 is replaced by glycine, an amino acid with dissimilar properties. This amino acid position is conserved. In addition, the in silico prediction for this alteration is inconclusive. Based on the available evidence, the clinical significance of this variant remains unclear.